The following is an entry in ClinVar:

ClinVar aggregate classification (germline): Uncertain significance. Review status: criteria provided, multiple submitters, no conflicts (2 of 4 stars). 2 submissions from 2 submitters: Uncertain significance (2). Last evaluated 2025-11-26.

Conditions:
Familial meningioma. Also called: Meningioma, familial, susceptibility to. Identifiers: Orphanet 263662, MedGen C3551915, MONDO:0011789, OMIM 607174.

Allele frequency attached by ClinVar (database versions not stated): ESP Exome Variant Server 0.00008; gnomAD exomes 0.00009; TOPMed 0.00006; ExAC 0.00007; gnomAD 0.00006.
gnomAD v4.1: 146 of 1,613,778 alleles (0.009%); highest among the groups gnomAD compares: Admixed American, 0.012%; no homozygotes.

Submissions (2):

Ambry Genetics
Classification: Uncertain significance. Last evaluated: 2025-11-26. Review status: criteria provided, single submitter. Criteria: Ambry Variant Classification Scheme 2023. Collection method: clinical testing. Allele origin: germline.

Dr. Guy Rouleau's laboratory, McGill University
Classification: Uncertain significance for Familial meningioma. Last evaluated: 2025-03-22. Review status: criteria provided, single submitter. Criteria: ACMG Guidelines, 2015. Collection method: research. Allele origin: germline. Affected: yes.
Comment: This missense variant located at the position 2380, is change from Valine (V), to Isoleucine (I) with similar properties in FAT3 gene. This variant has been reported in population database (gnomAD v2.1.1 allele frequency =0.00004282, exome coverage 86X). Based on the available evidence, the clinical significance of this variant is unknown.

NM_001367949.2(FAT3):c.7138G>A (p.Val2380Ile)

Gene: FAT3 (FAT atypical cadherin 3; plus strand). Cytogenetic location: 11q14.3.
Variant type: single nucleotide variant.
Coding change: c.7138G>A on transcript NM_001367949.2 (MANE Select); coding-DNA position 7138, G replaced by A.
Protein change: p.Val2380Ile; replaces valine 2380 with isoleucine.
Molecular consequence: missense variant.
Genome position (GRCh38, 1-based): chr11:92,800,151, G>A. VCF-style: chr11-92800151-G-A. GRCh37 (hg19) VCF-style: chr11-92533317-G-A.
Other names: c.7138G>A, p.Val2380Ile (NM_001008781.3); short protein forms V2380I.
Identifiers: ClinVar variation 2465530 (VCV002465530.4), dbSNP rs369465727, ClinGen allele CA6227400.